The following is an entry in ClinVar:

ClinVar aggregate classification (germline): Uncertain significance (1 of 4 stars; one submission).

Conditions:
Intellectual disability-severe speech delay-mild dysmorphism syndrome (IDDLA). Also called: Mental retardation with language impairment and autistic features; FOXP1 Syndrome; Intellectual developmental disorder with language impairment AND with or without autistic features. Identifiers: Orphanet 391372, MedGen C4013764, MONDO:0013352, OMIM 613670.

Allele frequency attached by ClinVar (database versions not stated): gnomAD exomes below 0.00001.

Submission:

Victorian Clinical Genetics Services, Murdoch Childrens Research Institute
Classification: Uncertain significance for Intellectual disability-severe speech delay-mild dysmorphism syndrome. Last evaluated: 2021-05-06. Review status: criteria provided, single submitter. Criteria: ACMG Guidelines, 2015. Collection method: clinical testing. Allele origin: germline. Inheritance: Autosomal dominant inheritance.
Comment: Based on the classification scheme VCGS_Germline_v1.3.4, this variant is classified as VUS-3C. Following criteria are met: 0103 - Dominant negative and loss of function are known mechanisms of disease in this gene and are associated with intellectual disability with language impairment and with or without autistic features (MIM#613670). Loss of function has been demonstrated in functional studies, some variants have also been shown to bind to wild type FOXP1 protein and affect the wild type protein function and localisation (PMID: 26647308). (I) 0107 - This gene is associated with autosomal dominant disease. (I) 0212 - Non-canonical splice site variant without proven consequence on splicing (no functional evidence available). The canonical splice site is not predicted to be affected. (SP) 0219 - This variant is non-coding in alternative transcripts. It is located in the deep intronic region for all RefSeq transcripts except for NM_001244810.1. The clinical significance of NM_001244810.1 is unclear (ClinVar). (I) 0251 - This variant is heterozygous. (I) 0301 - Variant is absent from gnomAD (both v2 and v3). (SP) 0505 - Abnormal splicing is predicted by in silico tools and the affected nucleotides within the non-canonical splice site are highly conserved. (SP) 0705 - No comparable non-canonical splice site variants have previous evidence for pathogenicity. (I) 0807 - This variant has no previous evidence of pathogenicity. (I) 0905 - No published segregation evidence has been identified for this variant. (I) 1007 - No published functional evidence has been identified for this variant. (I) 1208 - Inheritance information for this variant is not currently available in this individual. (I) Legend: (SP) - Supporting pathogenic, (I) - Information, (SB) - Supporting benign

Literature cited by the submitters: PubMed 26647308.

NM_001349338.3(FOXP1):c.1652+546dup

Gene: FOXP1 (forkhead box P1; minus strand). Cytogenetic location: 3p13.
Variant type: Duplication.
Coding change: c.1652+546dup on transcript NM_001349338.3 (MANE Select); 546 bases into the intron after coding-DNA position 1652, one base duplicated (T; older notation c.1652+546dupT).
Molecular consequence: intron variant. On other transcripts: splice donor variant (1).
Genome position (GRCh38, 1-based): chr3:70,972,009, A duplicated on the plus strand (T on the coding strand, the reverse complement: FOXP1 is on the minus strand). VCF-style (leftmost placement, unchanged base first): chr3-70972008-T-TA. GRCh37 (hg19) VCF-style: chr3-71021159-T-TA.
Other names: c.1700+2dup (NM_001244810.2); c.1652+546dup (NM_032682.6, NM_001349340.3, NM_001244816.2 and 1 more transcripts); c.1649+546dup (NM_001349341.3, NM_001244808.3); c.1424+546dup (NM_001244812.3); c.1349+546dup (NM_001349343.3, NM_001349337.2, NM_001370548.1 and 1 more transcripts); c.1352+546dup (NM_001349342.3, NM_001244815.2, NM_001244813.3).
Identifiers: ClinVar variation 1804886 (VCV001804886.1), dbSNP rs2545036775, ClinGen allele CA1139771235.
Genomic context (GRCh38, chr3:70,972,008, plus strand): 5'-GTCAACCATGCAAAGCCAAAGCAACAGCAGAAAAAAAAAACAAAAGCAAGTAAAGGCTCT[T>TA]ACTGTGCGACAAGCTCGTCAAAGTTTTCATCGGGGCAGTATTTGCGAGGACGGCCTCGTT-3'